The following is an entry in ClinVar:

NM_017696.3(MCM9):c.2169T>C (p.Asn723=)

Gene: MCM9 (minichromosome maintenance 9 homologous recombination repair factor; minus strand). Cytogenetic location: 6q22.31.
Variant type: single nucleotide variant.
Coding change: c.2169T>C on transcript NM_017696.3 (MANE Select); coding-DNA position 2169, T replaced by C.
Protein change: p.Asn723=; no amino-acid change (asparagine 723 retained).
Molecular consequence: synonymous variant. On other transcripts: 3 prime UTR variant (4), non-coding transcript variant (1).
Genome position (GRCh38, 1-based): chr6:118,816,087, A>G on the plus strand (T>C on the coding strand, the complement: MCM9 is on the minus strand). VCF-style: chr6-118816087-A-G. GRCh37 (hg19) VCF-style: chr6-119137250-A-G.
Other names: c.2169T>C, p.Asn723= (NM_001378356.1, NM_001378357.1); c.*76T>C (NM_001378359.1, NM_001378360.1, NM_001378366.1 and 1 more transcripts); c.1965T>C, p.Asn655= (NM_001378364.1).
Identifiers: ClinVar variation 4979685 (VCV004979685.1).

ClinVar aggregate classification (germline): Likely benign (1 of 4 stars; one submission).

Conditions:
MCM9-related disorder. Also called: MCM9-related condition.

gnomAD v4.1: 43 of 1,550,296 alleles (0.0028%); highest among the groups gnomAD compares: East Asian, 0.0098%; no homozygotes.

Submission:

PreventionGenetics, part of Exact Sciences
Classification: Likely benign for MCM9-related condition. Last evaluated: 2026-01-02. Review status: criteria provided, single submitter. Criteria: ACMG Guidelines, 2015. Collection method: clinical testing. Allele origin: germline.
Comment: This variant is classified as likely benign based on ACMG/AMP sequence variant interpretation guidelines (Richards et al. 2015 PMID: 25741868, with internal and published modifications).